The following is an entry in ClinVar:

ClinVar aggregate classification (germline): Benign (1 of 4 stars; one submission).

Allele frequency attached by ClinVar (database versions not stated): gnomAD 0.24885 and 0.25042; TOPMed 0.25072; 1000 Genomes Project 0.28115; 1000 Genomes Project 30x 0.28186.
gnomAD v4.1: 37,784 of 152,088 alleles (25%); highest among the groups gnomAD compares: African/African-American, 38%; 5,413 homozygotes.

Submission:

GeneDx
Classification: Benign. Last evaluated: 2018-06-14. Review status: criteria provided, single submitter. Criteria: GeneDx Variant Classification (06012015). Collection method: clinical testing. Allele origin: germline. Affected: yes.
Comment: This variant is considered likely benign or benign based on one or more of the following criteria: it is a conservative change, it occurs at a poorly conserved position in the protein, it is predicted to be benign by multiple in silico algorithms, and/or has population frequency not consistent with disease.

NM_182961.4(SYNE1):c.5422-185T>G

Gene: SYNE1 (spectrin repeat containing nuclear envelope protein 1; minus strand). Cytogenetic location: 6q25.2.
Variant type: single nucleotide variant.
Coding change: c.5422-185T>G on transcript NM_182961.4 (MANE Select); 185 bases into the intron before coding-DNA position 5422, T replaced by G.
Molecular consequence: intron variant.
Genome position (GRCh38, 1-based): chr6:152,417,200, A>C on the plus strand (T>G on the coding strand, the complement: SYNE1 is on the minus strand). VCF-style: chr6-152417200-A-C. GRCh37 (hg19) VCF-style: chr6-152738335-A-C.
Other names: c.5443-185T>G (NM_033071.5).
Identifiers: ClinVar variation 670643 (VCV000670643.1), dbSNP rs7738528, ClinGen allele CA12308881.